The following is an entry in ClinVar:

ClinVar aggregate classification (germline): Conflicting classifications of pathogenicity. Review status: criteria provided, conflicting classifications (1 of 4 stars). 2 submissions from 2 submitters: Uncertain significance (1); Likely benign (1). Last evaluated 2025-09-29.

Conditions:
Primary ciliary dyskinesia. Also called: Ciliary dyskinesia. Identifiers: Orphanet 244, MedGen C0008780, MONDO:0016575, HP:0012265.

Allele frequency attached by ClinVar (database versions not stated): gnomAD 0.00016; gnomAD exomes 0.00017; TOPMed 0.00021; ExAC 0.00025.

Submissions (2):

Labcorp Genetics (formerly Invitae), Labcorp
Classification: Likely benign for Primary ciliary dyskinesia. Last evaluated: 2025-09-29. Review status: criteria provided, single submitter. Criteria: Invitae Variant Classification Sherloc (09022015). Collection method: clinical testing. Allele origin: germline.

Ambry Genetics
Classification: Uncertain significance for Primary ciliary dyskinesia. Last evaluated: 2016-01-11. Review status: criteria provided, single submitter. Criteria: Ambry Variant Classification Scheme 2023. Collection method: clinical testing. Allele origin: germline.
Comment: The p.L4238I variant (also known as c.12712C>A), located in coding exon 77 of the DNAH11 gene, results from a C to A substitution at nucleotide position 12712. The leucine at codon 4238 is replaced by isoleucine, an amino acid with highly similar properties. This variant was not reported in population based cohorts in the following databases: Database of Single Nucleotide Polymorphisms (dbSNP), NHLBI Exome Sequencing Project (ESP), and 1000 Genomes Project. In the ESP, this variant was not observed in 6036 samples (12072 alleles) with coverage at this position. This amino acid position is not well conserved in available vertebrate species. In addition, this alteration is predicted to be and tolerated by PolyPhen and SIFT in silico analyses, respectively. Since supporting evidence is limited at this time, the clinical significance of this variant remains unclear

NM_001277115.2(DNAH11):c.12712C>A (p.Leu4238Ile)

Gene: DNAH11 (dynein axonemal heavy chain 11; plus strand). Cytogenetic location: 7p15.3.
Variant type: single nucleotide variant.
Coding change: c.12712C>A on transcript NM_001277115.2 (MANE Select); coding-DNA position 12712, C replaced by A.
Protein change: p.Leu4238Ile; replaces leucine 4238 with isoleucine.
Molecular consequence: missense variant.
Genome position (GRCh38, 1-based): chr7:21,892,629, C>A. VCF-style: chr7-21892629-C-A. GRCh37 (hg19) VCF-style: chr7-21932247-C-A.
Other names: short protein forms L4238I.
Identifiers: ClinVar variation 697946 (VCV000697946.10), dbSNP rs761368563, ClinGen allele CA4183155.